The following is an entry in ClinVar:

ClinVar aggregate classification (germline): Uncertain significance. Review status: criteria provided, multiple submitters, no conflicts (2 of 4 stars). 2 submissions from 2 submitters: Uncertain significance (2). Last evaluated 2024-11-06.

Allele frequency attached by ClinVar (database versions not stated): ExAC 0.00001; gnomAD exomes 0.00001 and 0.00004; TOPMed 0.00001; gnomAD 0.00002 and 0.00003.
gnomAD v4.1: 64 of 1,613,432 alleles (0.004%); highest among the groups gnomAD compares: Middle Eastern, 0.017%; no homozygotes.

Submissions (2):

Blueprint Genetics
Classification: Uncertain significance. Last evaluated: 2024-11-06. Review status: criteria provided, single submitter. Criteria: ACMG Guidelines, 2015. Collection method: clinical testing. Allele origin: germline.

Labcorp Genetics (formerly Invitae), Labcorp
Classification: Uncertain significance. Last evaluated: 2024-10-30. Review status: criteria provided, single submitter. Criteria: Invitae Variant Classification Sherloc (09022015). Collection method: clinical testing. Allele origin: germline.
Comment: This sequence change replaces glutamic acid, which is acidic and polar, with lysine, which is basic and polar, at codon 340 of the IMPG2 protein (p.Glu340Lys). This variant is present in population databases (rs746366363, gnomAD 0.002%). This variant has not been reported in the literature in individuals affected with IMPG2-related conditions. ClinVar contains an entry for this variant (Variation ID: 1006214). Invitae Evidence Modeling of protein sequence and biophysical properties (such as structural, functional, and spatial information, amino acid conservation, physicochemical variation, residue mobility, and thermodynamic stability) indicates that this missense variant is expected to disrupt IMPG2 protein function with a positive predictive value of 80%. In summary, the available evidence is currently insufficient to determine the role of this variant in disease. Therefore, it has been classified as a Variant of Uncertain Significance.

NM_016247.4(IMPG2):c.1018G>A (p.Glu340Lys)

Gene: IMPG2 (interphotoreceptor matrix proteoglycan 2; minus strand). Cytogenetic location: 3q12.3.
Variant type: single nucleotide variant.
Coding change: c.1018G>A on transcript NM_016247.4 (MANE Select); coding-DNA position 1018, G replaced by A.
Protein change: p.Glu340Lys; replaces glutamic acid 340 with lysine.
Molecular consequence: missense variant.
Genome position (GRCh38, 1-based): chr3:101,257,664, C>T on the plus strand (G>A on the coding strand, the complement: IMPG2 is on the minus strand). VCF-style: chr3-101257664-C-T. GRCh37 (hg19) VCF-style: chr3-100976508-C-T.
Other names: short protein forms E340K.
Identifiers: ClinVar variation 1006214 (VCV001006214.11), dbSNP rs746366363, ClinGen allele CA2519292.